The following is an entry in ClinVar:

ClinVar aggregate classification (germline): Pathogenic (1 of 4 stars; one submission).

Conditions:
Hypertrophic cardiomyopathy 4. Also called: Familial hypertrophic cardiomyopathy 4. Identifiers: MedGen C1861862, MONDO:0007268, OMIM 115197.

Submission:

Institute of Human Genetics, FAU Erlangen, Friedrich-Alexander-Universität Erlangen-Nürnberg
Classification: Pathogenic for Hypertrophic cardiomyopathy 4. Last evaluated: 2025-07-03. Review status: criteria provided, single submitter. Criteria: Hauer et al. (Genet Med. 2018). Collection method: clinical testing. Allele origin: germline. Inheritance: Unknown mechanism. Affected: yes. Observed: 1 variant allele.
Comment: This variant has been identified by standard clinical testing. Selected ACMG criteria: Pathogenic (I):PP4;PM2;PVS1

NM_000256.3(MYBPC3):c.2638del (p.Asp880fs)

Gene: MYBPC3 (myosin binding protein C3; minus strand). Cytogenetic location: 11p11.2.
Variant type: Deletion.
Coding change: c.2638del on transcript NM_000256.3 (MANE Select); coding-DNA position 2638, one base deleted (G; older notation c.2638delG).
Protein change: p.Asp880fs; shifts the reading frame from aspartic acid 880.
Molecular consequence: frameshift variant.
Genome position (GRCh38, 1-based): chr11:47,335,976, C deleted on the plus strand (G on the coding strand, the reverse complement: MYBPC3 is on the minus strand); the first of 2 consecutive C bases (chr11:47,335,976-47,335,977); deleting either gives the same sequence. VCF-style (leftmost placement, unchanged base first): chr11-47335975-TC-T. GRCh37 (hg19) VCF-style: chr11-47357526-TC-T.
Other names: short protein forms D880fs.
Identifiers: ClinVar variation 3909999 (VCV003909999.1).